The following is an entry in ClinVar:

NM_145167.3(PIGM):c.1140del (p.Gln381fs)

Gene: PIGM (phosphatidylinositol glycan anchor biosynthesis class M; minus strand). Cytogenetic location: 1q23.2.
Variant type: Deletion.
Coding change: c.1140del on transcript NM_145167.3 (MANE Select); coding-DNA position 1140, one base deleted (T; older notation c.1140delT).
Protein change: p.Gln381fs; shifts the reading frame from glutamine 381.
Molecular consequence: frameshift variant.
Genome position (GRCh38, 1-based): chr1:160,030,600, A deleted on the plus strand (T on the coding strand, the reverse complement: PIGM is on the minus strand); the first of 3 consecutive A bases (chr1:160,030,600-160,030,602); deleting any one gives the same sequence. VCF-style (leftmost placement, unchanged base first): chr1-160030599-GA-G. GRCh37 (hg19) VCF-style: chr1-160000389-GA-G.
Other names: short protein forms Q381fs.
Identifiers: ClinVar variation 3725833 (VCV003725833.2).

ClinVar aggregate classification (germline): Uncertain significance (1 of 4 stars; one submission).

Conditions:
Hypercoagulability syndrome due to glycosylphosphatidylinositol deficiency (GPIBD1). Also called: GLYCOSYLPHOSPHATIDYLINOSITOL BIOSYNTHESIS DEFECT 1. Identifiers: Orphanet 83639, MedGen C5201145, MONDO:0012465, OMIM 610293.

Submission:

Labcorp Genetics (formerly Invitae), Labcorp
Classification: Uncertain significance for Hypercoagulability syndrome due to glycosylphosphatidylinositol deficiency. Last evaluated: 2024-11-22. Review status: criteria provided, single submitter. Criteria: Invitae Variant Classification Sherloc (09022015). Collection method: clinical testing. Allele origin: germline.
Comment: This sequence change creates a premature translational stop signal (p.Gln381Lysfs*11) in the PIGM gene. While this is not anticipated to result in nonsense mediated decay, it is expected to disrupt the last 43 amino acid(s) of the PIGM protein. This variant is not present in population databases (gnomAD no frequency). This variant has not been reported in the literature in individuals affected with PIGM-related conditions. Experimental studies and prediction algorithms are not available or were not evaluated, and the functional significance of this variant is currently unknown. In summary, the available evidence is currently insufficient to determine the role of this variant in disease. Therefore, it has been classified as a Variant of Uncertain Significance.